The following is an entry in ClinVar:

NM_001128225.3(SLC39A13):c.403A>G (p.Ser135Gly)

Gene: SLC39A13 (solute carrier family 39 member 13; plus strand). Cytogenetic location: 11p11.2.
Variant type: single nucleotide variant.
Coding change: c.403A>G on transcript NM_001128225.3 (MANE Select); coding-DNA position 403, A replaced by G.
Protein change: p.Ser135Gly; replaces serine 135 with glycine.
Molecular consequence: missense variant. On other transcripts: non-coding transcript variant (1).
Genome position (GRCh38, 1-based): chr11:47,412,027, A>G. VCF-style: chr11-47412027-A-G. GRCh37 (hg19) VCF-style: chr11-47433578-A-G.
Other names: c.403A>G, p.Ser135Gly (NM_001330245.2, NM_152264.5); short protein forms S135G.
Identifiers: ClinVar variation 450588 (VCV000450588.14), dbSNP rs377518253, ClinGen allele CA5975754.

ClinVar aggregate classification (germline): Uncertain significance. Review status: criteria provided, multiple submitters, no conflicts (2 of 4 stars). 5 submissions from 5 submitters: Uncertain significance (5). Last evaluated 2026-02-13.

Conditions:
Ehlers-Danlos syndrome, spondylodysplastic type, 3. Also called: Ehlers-Danlos syndrome, spondylocheirodysplastic type. Identifiers: Orphanet 157965, MedGen C2676510, MONDO:0012873, OMIM 612350.
Inborn genetic diseases. Identifiers: MedGen C0950123, MeSH D030342.
Ehlers-Danlos syndrome (EDS). Identifiers: Orphanet 98249, MedGen C0013720, MONDO:0020066.

Allele frequency attached by ClinVar (database versions not stated): gnomAD 0.00002; TOPMed 0.00002; gnomAD exomes 0.00003 and 0.00009; ExAC 0.00004; ESP Exome Variant Server 0.00015.

Submissions (5):

Women's Health and Genetics/Laboratory Corporation of America, LabCorp
Classification: Uncertain significance. Last evaluated: 2026-02-13. Review status: criteria provided, single submitter. Criteria: LabCorp Variant Classification Summary - May 2015. Collection method: clinical testing. Allele origin: germline.
Comment: Variant summary: SLC39A13 c.403A>G (p.Ser135Gly) results in a non-conservative amino acid change in the encoded protein sequence. Algorithms developed to predict the effect of missense changes on protein structure and function are either unavailable or do not agree on the potential impact of this missense change. The variant allele was found at a frequency of 2.9e-05 in 240020 control chromosomes. The available data on variant occurrences in the general population are insufficient to allow any conclusion about variant significance. To our knowledge, no occurrence of c.403A>G in individuals affected with SLC39A13-related conditions and no experimental evidence demonstrating its impact on protein function have been reported. ClinVar contains an entry for this variant (Variation ID: 450588). Based on the evidence outlined above, the variant was classified as uncertain significance.

GeneDx
Classification: Uncertain significance. Last evaluated: 2025-11-10. Review status: criteria provided, single submitter. Criteria: GeneDx Variant Classification Process June 2021. Collection method: clinical testing. Allele origin: germline. Affected: yes.
Comment: Not observed at significant frequency in large population cohorts (gnomAD); In silico analysis indicates that this missense variant does not alter protein structure/function; Has not been previously published as pathogenic or benign to our knowledge

Labcorp Genetics (formerly Invitae), Labcorp
Classification: Uncertain significance for Ehlers-Danlos syndrome, spondylodysplastic type, 3. Last evaluated: 2025-01-13. Review status: criteria provided, single submitter. Criteria: Invitae Variant Classification Sherloc (09022015). Collection method: clinical testing. Allele origin: germline.
Comment: This sequence change replaces serine, which is neutral and polar, with glycine, which is neutral and non-polar, at codon 135 of the SLC39A13 protein (p.Ser135Gly). This variant is present in population databases (rs377518253, gnomAD 0.007%). This variant has not been reported in the literature in individuals affected with SLC39A13-related conditions. ClinVar contains an entry for this variant (Variation ID: 450588). Invitae Evidence Modeling of protein sequence and biophysical properties (such as structural, functional, and spatial information, amino acid conservation, physicochemical variation, residue mobility, and thermodynamic stability) indicates that this missense variant is not expected to disrupt SLC39A13 protein function with a negative predictive value of 80%. In summary, the available evidence is currently insufficient to determine the role of this variant in disease. Therefore, it has been classified as a Variant of Uncertain Significance.

Ambry Genetics
Classification: Uncertain significance for Inborn genetic diseases. Last evaluated: 2025-01-01. Review status: criteria provided, single submitter. Criteria: Ambry Variant Classification Scheme 2023. Collection method: clinical testing. Allele origin: germline.

Genome Diagnostics Laboratory, The Hospital for Sick Children
Classification: Uncertain significance for Ehlers-Danlos syndrome. Last evaluated: 2020-05-01. Review status: criteria provided, single submitter. Criteria: ACMG Guidelines, 2015. Collection method: clinical testing. Allele origin: germline.